The following is an entry in ClinVar:

ClinVar aggregate classification (germline): Uncertain significance (1 of 4 stars; one submission).

Conditions:
Hereditary cancer-predisposing syndrome. Also called: Neoplastic Syndromes, Hereditary; Tumor predisposition; Hereditary Cancer Syndrome; Hereditary neoplastic syndrome. Identifiers: Orphanet 140162, MedGen C0027672, MeSH D009386, MONDO:0015356.

Submission:

Ambry Genetics
Classification: Uncertain significance for Hereditary cancer-predisposing syndrome. Last evaluated: 2019-10-11. Review status: criteria provided, single submitter. Criteria: Ambry Variant Classification Scheme 2023. Collection method: clinical testing. Allele origin: germline.
Comment: The p.A709T variant (also known as c.2125G>A), located in coding exon 13 of the CDH1 gene, results from a G to A substitution at nucleotide position 2125. The alanine at codon 709 is replaced by threonine, an amino acid with similar properties. This amino acid position is not well conserved in available vertebrate species. In addition, this alteration is predicted to be tolerated by in silico analysis. Since supporting evidence is limited at this time, the clinical significance of this alteration remains unclear.

NM_004360.5(CDH1):c.2125G>A (p.Ala709Thr)

Gene: CDH1 (cadherin 1; plus strand). Cytogenetic location: 16q22.1.
Variant type: single nucleotide variant.
Coding change: c.2125G>A on transcript NM_004360.5 (MANE Select); coding-DNA position 2125, G replaced by A.
Protein change: p.Ala709Thr; replaces alanine 709 with threonine.
Molecular consequence: missense variant.
Genome position (GRCh38, 1-based): chr16:68,823,587, G>A. VCF-style: chr16-68823587-G-A. GRCh37 (hg19) VCF-style: chr16-68857490-G-A.
Other names: c.1942G>A, p.Ala648Thr (NM_001317184.2); c.577G>A, p.Ala193Thr (NM_001317185.2); c.160G>A, p.Ala54Thr (NM_001317186.2); short protein forms A193T, A54T, A648T, A709T.
Identifiers: ClinVar variation 820768 (VCV000820768.4), dbSNP rs138101372, ClinGen allele CA396467898.